The following is an entry in ClinVar:

NM_020693.4(DSCAML1):c.4520G>C (p.Gly1507Ala)

Gene: DSCAML1 (DS cell adhesion molecule like 1; minus strand). Cytogenetic location: 11q23.3.
Variant type: single nucleotide variant.
Coding change: c.4520G>C on transcript NM_020693.4 (MANE Select); coding-DNA position 4520, G replaced by C.
Protein change: p.Gly1507Ala; replaces glycine 1507 with alanine.
Molecular consequence: missense variant.
Genome position (GRCh38, 1-based): chr11:117,437,322, C>G on the plus strand (G>C on the coding strand, the complement: DSCAML1 is on the minus strand). VCF-style: chr11-117437322-C-G. GRCh37 (hg19) VCF-style: chr11-117308038-C-G.
Other names: short protein forms G1507A.
Identifiers: ClinVar variation 3656603 (VCV003656603.2).

ClinVar aggregate classification (germline): Uncertain significance (1 of 4 stars; one submission).

gnomAD v4.1: 1 of 1,614,246 alleles (0.000062%); highest among the groups gnomAD compares: Non-Finnish European, 0.000085%; no homozygotes.

Submission:

Labcorp Genetics (formerly Invitae), Labcorp
Classification: Uncertain significance. Last evaluated: 2024-06-13. Review status: criteria provided, single submitter. Criteria: Invitae Variant Classification Sherloc (09022015). Collection method: clinical testing. Allele origin: germline.
Comment: This sequence change replaces glycine, which is neutral and non-polar, with alanine, which is neutral and non-polar, at codon 1567 of the DSCAML1 protein (p.Gly1567Ala). This variant is not present in population databases (gnomAD no frequency). This variant has not been reported in the literature in individuals affected with DSCAML1-related conditions. An algorithm developed to predict the effect of missense changes on protein structure and function (PolyPhen-2) suggests that this variant is likely to be disruptive. In summary, the available evidence is currently insufficient to determine the role of this variant in disease. Therefore, it has been classified as a Variant of Uncertain Significance.